The following is an entry in ClinVar:

NM_003921.5(BCL10):c.14dup (p.Pro6fs)

Genes: BCL10 (BCL10 immune signaling adaptor; minus strand), LOC126805771 (CDK7 strongly-dependent group 2 enhancer GRCh37_chr1:85741508-85742707; plus strand). Cytogenetic location: 1p22.3.
Variant type: Duplication.
Coding change: c.14dup on transcript NM_003921.5 (MANE Select); coding-DNA position 14, one base duplicated (C; older notation c.14dupC).
Protein change: p.Pro6fs; shifts the reading frame from proline 6.
Molecular consequence: frameshift variant.
Genome position (GRCh38, 1-based): chr1:85,276,339, G duplicated on the plus strand (C on the coding strand, the reverse complement: BCL10 is on the minus strand). VCF-style (leftmost placement, unchanged base first): chr1-85276338-T-TG. GRCh37 (hg19) VCF-style: chr1-85742021-T-TG.
Other names: c.14dup, p.Pro6fs (NM_001320715.2); short protein forms P6fs.
Identifiers: ClinVar variation 1968159 (VCV001968159.5), dbSNP rs2527119870, ClinGen allele CA2580063269.

ClinVar aggregate classification (germline): Pathogenic (1 of 4 stars; one submission).

Conditions:
Immunodeficiency 37 (IMD37). Identifiers: MedGen C4015195, MONDO:0014491, OMIM 616098.

Submission:

Labcorp Genetics (formerly Invitae), Labcorp
Classification: Pathogenic for Immunodeficiency 37. Last evaluated: 2022-01-11. Review status: criteria provided, single submitter. Criteria: Invitae Variant Classification Sherloc (09022015). Collection method: clinical testing. Allele origin: germline.
Comment: This sequence change creates a premature translational stop signal (p.Pro6Thrfs*10) in the BCL10 gene. It is expected to result in an absent or disrupted protein product. Loss-of-function variants in BCL10 are known to be pathogenic (PMID: 25365219, 32008135). This variant is not present in population databases (gnomAD no frequency). This variant has not been reported in the literature in individuals affected with BCL10-related conditions. For these reasons, this variant has been classified as Pathogenic.

Literature cited by the submitters: PubMed 25365219; PubMed 32008135.